The following is an entry in ClinVar:

ClinVar aggregate classification (germline): Pathogenic. Review status: criteria provided, multiple submitters, no conflicts (2 of 4 stars). 4 submissions from 4 submitters: Pathogenic (4). Last evaluated 2026-02-05.

Conditions:
Intellectual developmental disorder with autism and macrocephaly. Also called: Autism, susceptibility to, 18; CHD8-Related Neurodevelopmental Disorder with Overgrowth. Identifiers: Orphanet 642675, MedGen C3554373, MONDO:0014017, OMIM 615032.
Intellectual disability. Also called: Intellectual developmental disorder; intellectual disabilities; Intellectual functioning disability. Identifiers: MedGen C3714756, MeSH D008607, MONDO:0001071, HP:0001249.

Allele frequency attached by ClinVar (database versions not stated): gnomAD exomes below 0.00001.
gnomAD v4.1: 1 of 1,613,866 alleles (0.000062%); highest among the groups gnomAD compares: Non-Finnish European, 0.000085%; no homozygotes.

Submissions (4):

GeneDx
Classification: Pathogenic. Last evaluated: 2026-02-05. Review status: criteria provided, single submitter. Criteria: GeneDx Variant Classification Process June 2021. Collection method: clinical testing. Allele origin: germline.
Comment: Identified in a patient with overgrowth and intellectual disability in the published literature; the variant was inherited from a parent with unknown affected status (PMID: 28475857); Nonsense variant predicted to result in protein truncation or nonsense mediated decay in a gene for which loss of function is a known mechanism of disease; Not observed at significant frequency in large population cohorts (gnomAD); This variant is associated with the following publications: (PMID: 28475857, 26733790, 25418537, 31721432, 30376831, 36182950, 40223535)

CeGaT Center for Human Genetics Tuebingen
Classification: Pathogenic. Last evaluated: 2022-10-01. Review status: criteria provided, single submitter. Criteria: CeGaT Center For Human Genetics Tuebingen Variant Classification Criteria Version 2. Collection method: clinical testing. Allele origin: germline. Affected: yes. Observed: 1 variant allele.
Comment: CHD8: PVS1, PM2, PS4:Supporting

Diagnostic Laboratory, Strasbourg University Hospital
Classification: Pathogenic for Intellectual disability. Last evaluated: 2020-09-10. Review status: criteria provided, single submitter. Criteria: ACMG Guidelines, 2015. Collection method: clinical testing. Allele origin: de novo. Affected: yes. Observed: 1 heterozygote.

Revvity Omics, Revvity
Classification: Pathogenic for Intellectual developmental disorder with autism and macrocephaly. Last evaluated: 2019-10-09. Review status: criteria provided, single submitter. Criteria: ACMG Guidelines, 2015. Collection method: clinical testing. Allele origin: germline.

NM_001170629.2(CHD8):c.5500C>T (p.Arg1834Ter)

Gene: CHD8 (chromodomain helicase DNA binding protein 8; minus strand). Cytogenetic location: 14q11.2.
Variant type: single nucleotide variant.
Coding change: c.5500C>T on transcript NM_001170629.2 (MANE Select); coding-DNA position 5500, C replaced by T.
Protein change: p.Arg1834Ter; replaces arginine 1834 with a stop codon.
Molecular consequence: nonsense.
Genome position (GRCh38, 1-based): chr14:21,394,376, G>A on the plus strand (C>T on the coding strand, the complement: CHD8 is on the minus strand). VCF-style: chr14-21394376-G-A. GRCh37 (hg19) VCF-style: chr14-21862535-G-A.
Other names: c.4663C>T, p.Arg1555Ter (NM_020920.4); short protein forms R1555*, R1834*.
Identifiers: ClinVar variation 981314 (VCV000981314.34), dbSNP rs55884219, ClinGen allele CA257594071.
Genomic context (GRCh38, chr14:21,394,376, plus strand): 5'-ACATGGCCACAAAGCCATGGAAGTACTTGGTAAGGCTTTCATCTGTCTTTTTGTCTAGTC[G>A]AGCAAAAGTGCGGAAGCGATCCCAATGGAACTGCATGGTGTCAGGGTCATATTCCACACC-3'